The following is an entry in ClinVar:

NM_000316.3(PTH1R):c.134A>G (p.Gln45Arg)

Gene: PTH1R (parathyroid hormone 1 receptor; plus strand). Cytogenetic location: 3p21.31.
Variant type: single nucleotide variant.
Coding change: c.134A>G on transcript NM_000316.3 (MANE Select); coding-DNA position 134, A replaced by G.
Protein change: p.Gln45Arg; replaces glutamine 45 with arginine.
Molecular consequence: missense variant.
Genome position (GRCh38, 1-based): chr3:46,893,965, A>G. VCF-style: chr3-46893965-A-G. GRCh37 (hg19) VCF-style: chr3-46935455-A-G.
Other names: c.134A>G, p.Gln45Arg (NM_001184744.1); short protein forms Q45R.
Identifiers: ClinVar variation 2077226 (VCV002077226.1), dbSNP rs201908157, ClinGen allele CA2359086.
Genomic context (GRCh38, chr3:46,893,965, plus strand): 5'-AGGTGGATGCAGATGACGTCATGACTAAAGAGGAACAGATCTTCCTGCTGCACCGTGCTC[A>G]GGCCCAGTGCGAAAAACGGCTCAAGGAGGTCCTGCAGAGGCCAGGTGGGGGTCAAAGGAA-3'
Protein context (NP_000307.1, residues 35-55): EEQIFLLHRA[Gln45Arg]AQCEKRLKEV

ClinVar aggregate classification (germline): Uncertain significance (1 of 4 stars; one submission).

Allele frequency attached by ClinVar (database versions not stated): gnomAD exomes below 0.00001; TOPMed below 0.00001; ExAC 0.00001; gnomAD 0.00001; 1000 Genomes Project 0.00020; 1000 Genomes Project 30x 0.00031.
gnomAD v4.1: 7 of 1,614,188 alleles (0.00043%); highest among the groups gnomAD compares: Admixed American, 0.005%; no homozygotes.

Submission:

Labcorp Genetics (formerly Invitae), Labcorp
Classification: Uncertain significance. Last evaluated: 2022-06-15. Review status: criteria provided, single submitter. Criteria: Invitae Variant Classification Sherloc (09022015). Collection method: clinical testing. Allele origin: germline.
Comment: This sequence change replaces glutamine, which is neutral and polar, with arginine, which is basic and polar, at codon 45 of the PTH1R protein (p.Gln45Arg). This variant is present in population databases (rs201908157, gnomAD 0.003%). This variant has not been reported in the literature in individuals affected with PTH1R-related conditions. Algorithms developed to predict the effect of missense changes on protein structure and function are either unavailable or do not agree on the potential impact of this missense change (SIFT: "Deleterious"; PolyPhen-2: "Benign"; Align-GVGD: "Class C35"). In summary, the available evidence is currently insufficient to determine the role of this variant in disease. Therefore, it has been classified as a Variant of Uncertain Significance.